The following is an entry in ClinVar:

NM_182493.3(MYLK3):c.1355G>A (p.Gly452Glu)

Gene: MYLK3 (myosin light chain kinase 3; minus strand). Cytogenetic location: 16q11.2.
Variant type: single nucleotide variant.
Coding change: c.1355G>A on transcript NM_182493.3 (MANE Select); coding-DNA position 1355, G replaced by A.
Protein change: p.Gly452Glu; replaces glycine 452 with glutamic acid.
Molecular consequence: missense variant.
Genome position (GRCh38, 1-based): chr16:46,732,315, C>T on the plus strand (G>A on the coding strand, the complement: MYLK3 is on the minus strand). VCF-style: chr16-46732315-C-T. GRCh37 (hg19) VCF-style: chr16-46766227-C-T.
Other names: c.332G>A, p.Gly111Glu (NM_001308301.1); short protein forms G111E, G452E.
Identifiers: ClinVar variation 1431314 (VCV001431314.6), dbSNP rs764079283, ClinGen allele CA8038011.

ClinVar aggregate classification (germline): Uncertain significance (1 of 4 stars; one submission).

Allele frequency attached by ClinVar (database versions not stated): ExAC 0.00002; gnomAD exomes 0.00003.
gnomAD v4.1: 42 of 1,611,822 alleles (0.0026%); highest among the groups gnomAD compares: Non-Finnish European, 0.0036%; no homozygotes.

Submission:

Labcorp Genetics (formerly Invitae), Labcorp
Classification: Uncertain significance. Last evaluated: 2024-09-29. Review status: criteria provided, single submitter. Criteria: Invitae Variant Classification Sherloc (09022015). Collection method: clinical testing. Allele origin: germline.
Comment: This sequence change replaces glycine, which is neutral and non-polar, with glutamic acid, which is acidic and polar, at codon 452 of the MYLK3 protein (p.Gly452Glu). This variant is present in population databases (rs764079283, gnomAD 0.006%). This variant has not been reported in the literature in individuals affected with MYLK3-related conditions. ClinVar contains an entry for this variant (Variation ID: 1431314). An algorithm developed to predict the effect of missense changes on protein structure and function outputs the following: PolyPhen-2: "Benign". The glutamic acid amino acid residue is found in multiple mammalian species, which suggests that this missense change does not adversely affect protein function. In summary, the available evidence is currently insufficient to determine the role of this variant in disease. Therefore, it has been classified as a Variant of Uncertain Significance.